The following is an entry in ClinVar:

ClinVar aggregate classification (germline): Likely pathogenic (1 of 4 stars; one submission).

Allele frequency attached by ClinVar (database versions not stated): gnomAD exomes 0.00001; ExAC 0.00002; gnomAD 0.00005; TOPMed 0.00010.

Submission:

Labcorp Genetics (formerly Invitae), Labcorp
Classification: Likely pathogenic. Last evaluated: 2025-12-16. Review status: criteria provided, single submitter. Criteria: Invitae Variant Classification Sherloc (09022015). Collection method: clinical testing. Allele origin: germline.
Comment: This variant results in the deletion of part of exon 9 (c.1077_1077+5del) of the ADSSL1 gene. It is expected to disrupt RNA splicing. Variants that disrupt the donor or acceptor splice site typically lead to a loss of protein function (PMID: 16199547), and loss-of-function variants in ADSSL1 are known to be pathogenic (PMID: 26506222). This variant is present in population databases (rs767003671, gnomAD 0.02%). This variant has not been reported in the literature in individuals affected with ADSSL1-related conditions. ClinVar contains an entry for this variant (Variation ID: 1924470). Algorithms developed to predict the effect of sequence changes on RNA splicing suggest that this variant may disrupt the consensus splice site. In summary, the currently available evidence indicates that the variant is pathogenic, but additional data are needed to prove that conclusively. Therefore, this variant has been classified as Likely Pathogenic.

Literature cited by the submitters: PubMed 16199547; PubMed 26506222.

NM_152328.5(ADSS1):c.948_948+5del

Gene: ADSS1 (adenylosuccinate synthase 1; plus strand). Cytogenetic location: 14q32.33.
Variant type: Deletion.
Coding change: c.948_948+5del on transcript NM_152328.5 (MANE Select); coding-DNA position 948 through 5 bases into the intron after coding-DNA position 948, 6 bases deleted (CGTGAG; older notation c.948_948+5delCGTGAG).
Molecular consequence: splice donor variant.
Genome position (GRCh38, 1-based): chr14:104,742,002-104,742,007, CGTGAG deleted. VCF-style (leftmost placement, unchanged base first): chr14-104742001-ACGTGAG-A. GRCh37 (hg19) VCF-style: chr14-105208338-ACGTGAG-A.
Other names: c.1077_1077+5del (NM_199165.2); c.333_333+5del (NM_001320424.1).
Identifiers: ClinVar variation 1924470 (VCV001924470.5), dbSNP rs767003671, ClinGen allele CA7373925.